The following is an entry in ClinVar:

NM_004366.6(CLCN2):c.246C>G (p.Phe82Leu)

Gene: CLCN2 (chloride voltage-gated channel 2; minus strand). Cytogenetic location: 3q27.1.
Variant type: single nucleotide variant.
Coding change: c.246C>G on transcript NM_004366.6 (MANE Select); coding-DNA position 246, C replaced by G.
Protein change: p.Phe82Leu; replaces phenylalanine 82 with leucine.
Molecular consequence: missense variant. On other transcripts: intron variant (1).
Genome position (GRCh38, 1-based): chr3:184,358,788, G>C on the plus strand (C>G on the coding strand, the complement: CLCN2 is on the minus strand). VCF-style: chr3-184358788-G-C. GRCh37 (hg19) VCF-style: chr3-184076576-G-C.
Other names: c.246C>G, p.Phe82Leu (NM_001171087.3, NM_001171089.3); c.220+187C>G (NM_001171088.3); short protein forms F82L.
Identifiers: ClinVar variation 217771 (VCV000217771.16), dbSNP rs140463309, ClinGen allele CA347646.
Genomic context (GRCh38, chr3:184,358,788, plus strand): 5'-TGCCATGAGAAGCCCCAGCAGGACCAGGAAGATCCAATCTTCACCAACCCTGGATACTAG[G>C]AACTTGTGGCAGCGGACAGAACAGACTGGGTGCAGGGAAGGGAAGAAGGGGGAGGATGGC-3'
Protein context (NP_004357.3, residues 72-92): CRVCSVRCHK[Phe82Leu]LVSRVGEDWI

ClinVar aggregate classification (germline): Conflicting classifications of pathogenicity. Review status: criteria provided, conflicting classifications (1 of 4 stars). 6 submissions from 6 submitters: Uncertain significance (4); Likely benign (1). 1 of the submissions does not count toward it. Last evaluated 2025-10-13.

Conditions:
Familial hyperaldosteronism type II. Also called: FH II. Identifiers: Orphanet 404, MedGen C1854107, MONDO:0011576, OMIM 605635.
Epilepsy, idiopathic generalized, susceptibility to, 11 (EIG11). Identifiers: Orphanet 307, MedGen C2750893, MONDO:0011875, OMIM 607628.
Leukoencephalopathy with mild cerebellar ataxia and white matter edema (LKPAT). Also called: CLCN2-Related Leukoencephalopathy; Leukoencephalopathy with white matter edema; Brain white matter edema; Leukoencephalopathy with ataxia. Identifiers: Orphanet 363540, MedGen C4554120, MONDO:0014292, OMIM 615651. Disease mechanism: loss of function.

Allele frequency attached by ClinVar (database versions not stated): ESP Exome Variant Server 0.00015; TOPMed 0.00017; gnomAD exomes 0.00013; ExAC 0.00019; gnomAD 0.00025.

Submissions (6):

Labcorp Genetics (formerly Invitae), Labcorp
Classification: Likely benign. Last evaluated: 2025-10-13. Review status: criteria provided, single submitter. Criteria: Invitae Variant Classification Sherloc (09022015). Collection method: clinical testing. Allele origin: germline.

Blueprint Genetics
Classification: Uncertain significance. Last evaluated: 2024-08-09. Review status: criteria provided, single submitter. Criteria: ACMG Guidelines, 2015. Collection method: clinical testing. Allele origin: germline.

Fulgent Genetics
Classification: Uncertain significance for Familial hyperaldosteronism type II; Epilepsy, idiopathic generalized, susceptibility to, 11; Leukoencephalopathy with mild cerebellar ataxia and white matter edema. Last evaluated: 2023-12-25. Review status: criteria provided, single submitter. Criteria: ACMG Guidelines, 2015. Collection method: clinical testing. Allele origin: germline.

Women's Health and Genetics/Laboratory Corporation of America, LabCorp
Classification: Uncertain significance. Last evaluated: 2023-03-30. Review status: criteria provided, single submitter. Criteria: LabCorp Variant Classification Summary - May 2015. Collection method: clinical testing. Allele origin: germline.
Comment: Variant summary: CLCN2 c.246C>G (p.Phe82Leu) results in a non-conservative amino acid change in the encoded protein sequence. Four of five in-silico tools predict a damaging effect of the variant on protein function. The variant allele was found at a frequency of 0.00013 in 248724 control chromosomes. c.246C>G has been reported in the literature in individuals affected with epilepsy without strong evidence of causality (Klassen_2011, Ganapathy_2019). These reports do not provide unequivocal conclusions about association of the variant with CLCN2-Related Disorders. To our knowledge, no experimental evidence demonstrating an impact on protein function has been reported. Two submitters have provided clinical-significance assessments for this variant to ClinVar after 2014. One laboratory classified the variant as likely benign, and one classified it as uncertain significance. Based on the evidence outlined above, the variant was classified as uncertain significance.

GeneDx
Classification: Uncertain significance. Last evaluated: 2019-08-09. Review status: criteria provided, single submitter. Criteria: GeneDx Variant Classification Process June 2021. Collection method: clinical testing. Allele origin: germline. Affected: yes.
Comment: Identified in a patient with epilepsy in published literature but additional information was not provided (Klassen et al., 2011); In silico analysis, which includes protein predictors and evolutionary conservation, supports a deleterious effect; This variant is associated with the following publications: (PMID: 21703448)

GeneReviews
No classification provided. Condition: Leukoencephalopathy with mild cerebellar ataxia and white matter edema. Review status: no classification provided. Collection method: literature only. Allele origin: germline. Affected: yes. Not counted in ClinVar's aggregate classification.

Literature cited by the submitters: PubMed 21703448 (cited by Women's Health and Genetics/Laboratory Corporation of America, LabCorp and GeneReviews); PubMed 31069529 (cited by Women's Health and Genetics/Laboratory Corporation of America, LabCorp); NCBI Bookshelf NBK326661 (cited by GeneReviews).